The following is an entry in ClinVar:

NM_130849.3(SLC39A4):c.976_976+1delAG

Gene: SLC39A4 (solute carrier family 39 member 4; minus strand). Cytogenetic location: 8q24.3.
Variant type: Microsatellite.
Coding change: c.976_976+1delAG on transcript NM_130849.3; coding-DNA position 976 through the canonical splice donor site of the intron after coding-DNA position 976, 2 bases deleted (AG).
Genome position (GRCh38, 1-based): chr8:144,414,724-144,414,725, CT deleted on the plus strand (AG on the coding strand, the reverse complement: SLC39A4 is on the minus strand); deleting any 2 consecutive bases within chr8:144,414,724-144,414,729 gives the same sequence; the c. name uses the placement nearest the transcript's 3' end. VCF-style (leftmost placement, unchanged base first): chr8-144414723-ACT-A. GRCh37 (hg19) VCF-style: chr8-145640107-ACT-A.
Identifiers: ClinVar variation 4816474 (VCV004816474.1).

ClinVar aggregate classification (germline): Likely pathogenic (1 of 4 stars; one submission).

Conditions:
Hereditary acrodermatitis enteropathica (AEZ). Also called: Acrodermatitis enteropathica. Identifiers: Orphanet 37, MedGen C0221036, MONDO:0008713, OMIM 201100.

Submission:

Natera, Inc.
Classification: Likely pathogenic for Acrodermatitis enteropathica. Last evaluated: 2024-05-01. Review status: criteria provided, single submitter. Criteria: Natera Variant Classification Schema (03/2026). Collection method: clinical testing. Allele origin: germline.
Comment: The c.976_976+1delAG variant in SLC39A4 is a canonical splice donor site variant predicted to affect pre-mRNA splicing, which may result in an abnormal transcript and altered protein product. This variant is expected to result in nonsense mediated decay, truncation, or a dysfunctional protein product. This variant is rare in the general population with a frequency below the threshold expected for the associated phenotype(s). Given the available evidence, this variant is classified as Likely Pathogenic.